The following is an entry in ClinVar:

ClinVar aggregate classification (germline): Pathogenic (1 of 4 stars; one submission).

Conditions:
Hereditary spastic paraplegia 4. Also called: Spastic Paraplegia 4; Spastic paraplegia 4, autosomal dominant; Familial spastic paraplegia autosomal dominant 2. Identifiers: Orphanet 100985, MedGen C1866855, MONDO:0008438, OMIM 182601.

Submission:

Labcorp Genetics (formerly Invitae), Labcorp
Classification: Pathogenic for Hereditary spastic paraplegia 4. Last evaluated: 2022-07-04. Review status: criteria provided, single submitter. Criteria: Invitae Variant Classification Sherloc (09022015). Collection method: clinical testing. Allele origin: germline.
Comment: This variant is not present in population databases (gnomAD no frequency). This sequence change results in a frameshift in the SPAST gene (p.Arg606Aspfs*18). While this is not anticipated to result in nonsense mediated decay, it is expected to disrupt the last 11 amino acid(s) of the SPAST protein and extend the protein by 6 additional amino acid residues. This variant has not been reported in the literature in individuals affected with SPAST-related conditions. For these reasons, this variant has been classified as Pathogenic. This variant disrupts a region of the SPAST protein in which other variant(s) (p.Trp607*) have been determined to be pathogenic (PMID: 15841487; Invitae). This suggests that this is a clinically significant region of the protein, and that variants that disrupt it are likely to be disease-causing.

Literature cited by the submitters: PubMed 15841487.

NM_014946.4(SPAST):c.1815_1816insGA (p.Arg606fs)

Gene: SPAST (spastin; plus strand). Cytogenetic location: 2p22.3.
Variant type: Insertion.
Coding change: c.1815_1816insGA on transcript NM_014946.4 (MANE Select); coding-DNA positions 1815 to 1816, GA inserted.
Protein change: p.Arg606fs; shifts the reading frame from arginine 606.
Molecular consequence: frameshift variant. On other transcripts: 3 prime UTR variant (1).
Genome position: GRCh38 VCF-style: chr2-32154459-T-TAG. GRCh37 (hg19) VCF-style: chr2-32379528-T-TAG.
Other names: c.1812_1813insGA, p.Arg605fs (NM_001363823.2); c.1716_1717insGA, p.Arg573fs (NM_001363875.2); c.*88_*89insGA (NM_001377959.1); c.1719_1720insGA, p.Arg574fs (NM_199436.2); short protein forms R574fs, R606fs, R573fs, R605fs.
Identifiers: ClinVar variation 2007618 (VCV002007618.4), dbSNP rs1553321261, ClinGen allele CA2580066381.